The following is an entry in ClinVar:

ClinVar aggregate classification (germline): Uncertain significance (1 of 4 stars; one submission).

gnomAD v4.1: 1 of 1,534,162 alleles (0.000065%); no homozygotes.

Submission:

Labcorp Genetics (formerly Invitae), Labcorp
Classification: Uncertain significance. Last evaluated: 2022-04-28. Review status: criteria provided, single submitter. Criteria: Invitae Variant Classification Sherloc (09022015). Collection method: clinical testing. Allele origin: germline.
Comment: Algorithms developed to predict the effect of missense changes on protein structure and function are either unavailable or do not agree on the potential impact of this missense change (SIFT: "Deleterious"; PolyPhen-2: "Possibly Damaging"; Align-GVGD: "Class C0"). This sequence change replaces proline, which is neutral and non-polar, with serine, which is neutral and polar, at codon 1451 of the KIAA1549 protein (p.Pro1451Ser). This variant is not present in population databases (gnomAD no frequency). This variant has not been reported in the literature in individuals affected with KIAA1549-related conditions. In summary, the available evidence is currently insufficient to determine the role of this variant in disease. Therefore, it has been classified as a Variant of Uncertain Significance.

NM_001164665.2(KIAA1549):c.4351C>T (p.Pro1451Ser)

Gene: KIAA1549 (KIAA1549; minus strand). Cytogenetic location: 7q34.
Variant type: single nucleotide variant.
Coding change: c.4351C>T on transcript NM_001164665.2 (MANE Select); coding-DNA position 4351, C replaced by T.
Protein change: p.Pro1451Ser; replaces proline 1451 with serine.
Molecular consequence: missense variant.
Genome position (GRCh38, 1-based): chr7:138,871,357, G>A on the plus strand (C>T on the coding strand, the complement: KIAA1549 is on the minus strand). VCF-style: chr7-138871357-G-A. GRCh37 (hg19) VCF-style: chr7-138556103-G-A.
Other names: c.4351C>T, p.Pro1451Ser (NM_020910.3); short protein forms P1451S.
Identifiers: ClinVar variation 1970644 (VCV001970644.5), dbSNP rs1810932984, ClinGen allele CA369375270.